The following is an entry in ClinVar:

NM_006517.5(SLC16A2):c.289G>A (p.Gly97Ser)

Gene: SLC16A2 (solute carrier family 16 member 2; plus strand). Cytogenetic location: Xq13.2.
Variant type: single nucleotide variant.
Coding change: c.289G>A on transcript NM_006517.5 (MANE Select); coding-DNA position 289, G replaced by A.
Protein change: p.Gly97Ser; replaces glycine 97 with serine.
Molecular consequence: missense variant.
Genome position (GRCh38, 1-based): chrX:74,421,926, G>A. VCF-style: chrX-74421926-G-A. GRCh37 (hg19) VCF-style: chrX-73641761-G-A.
Other names: short protein forms G97S.
Identifiers: ClinVar variation 588496 (VCV000588496.5), dbSNP rs1357516055, ClinGen allele CA413656166.

ClinVar aggregate classification (germline): Uncertain significance (1 of 4 stars; one submission).

Conditions:
Inborn genetic diseases. Identifiers: MedGen C0950123, MeSH D030342.

Allele frequency attached by ClinVar (database versions not stated): gnomAD exomes below 0.00001; TOPMed below 0.00001; gnomAD 0.00001.
gnomAD v4.1: 3 of 1,210,171 alleles (0.00025%); highest among the groups gnomAD compares: Non-Finnish European, 0.00034%; no homozygotes.

Submission:

Ambry Genetics
Classification: Uncertain significance for Inborn genetic diseases. Last evaluated: 2016-11-29. Review status: criteria provided, single submitter. Criteria: Ambry Variant Classification Scheme 2023. Collection method: clinical testing. Allele origin: germline.
Comment: The p.G171S variant (also known as c.511G>A), located in coding exon 1 of the SLC16A2 gene, results from a G to A substitution at nucleotide position 511. The glycine at codon 171 is replaced by serine, an amino acid with similar properties. This amino acid position is highly conserved in available vertebrate species. In addition, the in silico prediction for this alteration is inconclusive. Since supporting evidence is limited at this time, the clinical significance of this alteration remains unclear.